The following is an entry in ClinVar:

ClinVar aggregate classification (germline): Uncertain significance (1 of 4 stars; one submission).

Conditions:
Combined oxidative phosphorylation defect type 14. Also called: Combined oxidative phosphorylation deficiency 14. Identifiers: Orphanet 319519, MedGen C4755312, MONDO:0013986, OMIM 614946.

Submission:

Labcorp Genetics (formerly Invitae), Labcorp
Classification: Uncertain significance for Combined oxidative phosphorylation defect type 14. Last evaluated: 2023-05-22. Review status: criteria provided, single submitter. Criteria: Invitae Variant Classification Sherloc (09022015). Collection method: clinical testing. Allele origin: germline.
Comment: This sequence change replaces glycine, which is neutral and non-polar, with serine, which is neutral and polar, at codon 3 of the FARS2 protein (p.Gly3Ser). This variant is not present in population databases (gnomAD no frequency). This variant has not been reported in the literature in individuals affected with FARS2-related conditions. ClinVar contains an entry for this variant (Variation ID: 1992777). Advanced modeling of protein sequence and biophysical properties (such as structural, functional, and spatial information, amino acid conservation, physicochemical variation, residue mobility, and thermodynamic stability) performed at Invitae indicates that this missense variant is not expected to disrupt FARS2 protein function. In summary, the available evidence is currently insufficient to determine the role of this variant in disease. Therefore, it has been classified as a Variant of Uncertain Significance.

NM_006567.5(FARS2):c.7G>A (p.Gly3Ser)

Genes: FARS2 (phenylalanyl-tRNA synthetase 2, mitochondrial; plus strand), LOC126859565 (CDK7 strongly-dependent group 2 enhancer GRCh37_chr6:5368745-5369944; plus strand). Cytogenetic location: 6p25.1.
Variant type: single nucleotide variant.
Coding change: c.7G>A on transcript NM_006567.5 (MANE Select); coding-DNA position 7, G replaced by A.
Protein change: p.Gly3Ser; replaces glycine 3 with serine.
Molecular consequence: missense variant. On other transcripts: intron variant (2).
Genome position (GRCh38, 1-based): chr6:5,368,577, G>A. VCF-style: chr6-5368577-G-A. GRCh37 (hg19) VCF-style: chr6-5368810-G-A.
Other names: c.7G>A, p.Gly3Ser (NM_001318872.2, NM_001374875.1, NM_001374876.1 and 5 more transcripts); c.-340-28056G>A (NM_001375260.1); c.-84-35965G>A (NM_001375259.1); short protein forms G3S.
Identifiers: ClinVar variation 1992777 (VCV001992777.4), dbSNP rs111573636, ClinGen allele CA134301478.